The following is an entry in ClinVar:

NM_004364.5(CEBPA):c.872G>C (p.Arg291Pro)

Gene: CEBPA (CCAAT enhancer binding protein alpha; minus strand). Cytogenetic location: 19q13.11.
Variant type: single nucleotide variant.
Coding change: c.872G>C on transcript NM_004364.5 (MANE Select); coding-DNA position 872, G replaced by C.
Protein change: p.Arg291Pro; replaces arginine 291 with proline.
Molecular consequence: missense variant.
Genome position (GRCh38, 1-based): chr19:33,301,543, C>G on the plus strand (G>C on the coding strand, the complement: CEBPA is on the minus strand). VCF-style: chr19-33301543-C-G. GRCh37 (hg19) VCF-style: chr19-33792449-C-G.
Other names: c.515G>C, p.Arg172Pro (NM_001285829.2); c.977G>C, p.Arg326Pro (NM_001287424.2); c.830G>C, p.Arg277Pro (NM_001287435.2); short protein forms R172P, R277P, R291P, R326P.
Identifiers: ClinVar variation 3371947 (VCV003371947.2).

ClinVar aggregate classification (germline): Uncertain significance. Review status: criteria provided, multiple submitters, no conflicts (2 of 4 stars). 2 submissions from 2 submitters: Uncertain significance (2). Last evaluated 2025-12-15.

Conditions:
Inborn genetic diseases. Identifiers: MedGen C0950123, MeSH D030342.

Submissions (2):

Ambry Genetics
Classification: Uncertain significance for Inborn genetic diseases. Last evaluated: 2025-12-15. Review status: criteria provided, single submitter. Criteria: Ambry Variant Classification Scheme 2023. Collection method: clinical testing. Allele origin: germline.
Comment: The p.R291P variant (also known as c.872G>C), located in coding exon 1 of the CEBPA gene, results from a G to C substitution at nucleotide position 872. The arginine at codon 291 is replaced by proline, an amino acid with dissimilar properties. This amino acid position is highly conserved in available vertebrate species. In addition, this alteration is predicted to be deleterious by in silico analysis. Based on the available evidence, the clinical significance of this variant remains unclear.

GeneDx
Classification: Uncertain significance. Last evaluated: 2024-04-03. Review status: criteria provided, single submitter. Criteria: GeneDx Variant Classification Process June 2021. Collection method: clinical testing. Allele origin: germline. Affected: yes.
Comment: Not observed at significant frequency in large population cohorts (gnomAD); In silico analysis supports that this missense variant has a deleterious effect on protein structure/function; Has not been previously published as pathogenic or benign to our knowledge; This variant is associated with the following publications: (PMID: 21455213)